The following is an entry in ClinVar:

ClinVar aggregate classification (germline): Benign/Likely benign. Review status: criteria provided, multiple submitters, no conflicts (2 of 4 stars). 2 submissions from 2 submitters: Benign (1); Likely benign (1). Last evaluated 2026-03-01.

Allele frequency attached by ClinVar (database versions not stated): TOPMed 0.00002; gnomAD 0.00006; ExAC 0.00008; ESP Exome Variant Server 0.00008; 1000 Genomes Project 30x 0.00016; 1000 Genomes Project 0.00020.
gnomAD v4.1: 52 of 1,614,158 alleles (0.0032%); highest among the groups gnomAD compares: Middle Eastern, 0.049%; no homozygotes.

Submissions (2):

CeGaT Center for Human Genetics Tuebingen
Classification: Likely benign. Last evaluated: 2026-03-01. Review status: criteria provided, single submitter. Criteria: CeGaT Center For Human Genetics Tuebingen Variant Classification Criteria Version 2. Collection method: clinical testing. Allele origin: germline. Affected: yes. Observed: 1 variant allele.
Comment: SETBP1: BP4, BS2

Labcorp Genetics (formerly Invitae), Labcorp
Classification: Benign. Last evaluated: 2025-11-03. Review status: criteria provided, single submitter. Criteria: Invitae Variant Classification Sherloc (09022015). Collection method: clinical testing. Allele origin: germline.

NM_015559.3(SETBP1):c.4096G>A (p.Ala1366Thr)

Gene: SETBP1 (SET binding protein 1; plus strand). Cytogenetic location: 18q12.3.
Variant type: single nucleotide variant.
Coding change: c.4096G>A on transcript NM_015559.3 (MANE Select); coding-DNA position 4096, G replaced by A.
Protein change: p.Ala1366Thr; replaces alanine 1366 with threonine.
Molecular consequence: missense variant.
Genome position (GRCh38, 1-based): chr18:45,038,580, G>A. VCF-style: chr18-45038580-G-A. GRCh37 (hg19) VCF-style: chr18-42618545-G-A.
Other names: c.4096G>A, p.Ala1366Thr (LRG_1150t1); short protein forms A1366T.
Identifiers: ClinVar variation 1569348 (VCV001569348.14), dbSNP rs145549368, ClinGen allele CA8946077.
Genomic context (GRCh38, chr18:45,038,580, plus strand): 5'-GCAGTGCATAGTAAGAACGAAGGCTCAGTGCCCACCATGATGACCAGGAAGAAGCCAGCC[G>A]CAGTTGACAGTGTTACAATTCCACCAGCCCCAGTGTTATCTCTCCTTGCTGCATCTGCAG-3'
Protein context (NP_056374.2, residues 1356-1376): PTMMTRKKPA[Ala1366Thr]VDSVTIPPAP